The following is an entry in ClinVar:

ClinVar aggregate classification (germline): Benign/Likely benign. Review status: criteria provided, multiple submitters, no conflicts (2 of 4 stars). 6 submissions from 6 submitters: Benign (3); Likely benign (3). Last evaluated 2026-08-01.

Allele frequency attached by ClinVar (database versions not stated): 1000 Genomes Project 30x 0.00187; 1000 Genomes Project 0.00200; TOPMed 0.00551; ExAC 0.00591; gnomAD 0.00618 and 0.00632; gnomAD exomes 0.00622 and 0.00854; ESP Exome Variant Server 0.00769.
gnomAD v4.1: 13,284 of 1,614,172 alleles (0.82%); highest among the groups gnomAD compares: Non-Finnish European, 0.99%; 58 homozygotes.

Submissions (6):

CeGaT Center for Human Genetics Tuebingen
Classification: Likely benign. Last evaluated: 2026-08-01. Review status: criteria provided, single submitter. Criteria: CeGaT Center For Human Genetics Tuebingen Variant Classification Criteria Version 2. Collection method: clinical testing. Allele origin: germline. Affected: yes. Observed: 24 variant alleles.
Comment: NLRP1: BP4, BP7, BS2

Labcorp Genetics (formerly Invitae), Labcorp
Classification: Benign. Last evaluated: 2026-02-02. Review status: criteria provided, single submitter. Criteria: Invitae Variant Classification Sherloc (09022015). Collection method: clinical testing. Allele origin: germline.

Women's Health and Genetics/Laboratory Corporation of America, LabCorp
Classification: Benign. Last evaluated: 2026-01-22. Review status: criteria provided, single submitter. Criteria: LabCorp Variant Classification Summary - May 2015. Collection method: clinical testing. Allele origin: germline.

Mayo Clinic Laboratories, Mayo Clinic
Classification: Benign. Last evaluated: 2025-04-23. Review status: criteria provided, single submitter. Criteria: ACMG Guidelines, 2015. Collection method: clinical testing. Allele origin: germline. Observed: 4 variant alleles.
Comment: BS1, BS2, BP4, BP7

Blueprint Genetics
Classification: Likely benign. Last evaluated: 2024-11-26. Review status: criteria provided, single submitter. Criteria: ACMG Guidelines, 2015. Collection method: clinical testing. Allele origin: germline.

Breakthrough Genomics
Classification: Likely benign. Review status: criteria provided, single submitter. Criteria: ACMG Guidelines, 2015. Collection method: not provided. Allele origin: germline. Inheritance: Autosomal recessive inheritance. Affected: yes.

NM_033004.4(NLRP1):c.1845C>T (p.Ile615=)

Gene: NLRP1 (NLR family pyrin domain containing 1; minus strand). Cytogenetic location: 17p13.2.
Variant type: single nucleotide variant.
Coding change: c.1845C>T on transcript NM_033004.4 (MANE Select); coding-DNA position 1845, C replaced by T.
Protein change: p.Ile615=; no amino-acid change (isoleucine 615 retained).
Molecular consequence: synonymous variant.
Genome position (GRCh38, 1-based): chr17:5,558,851, G>A on the plus strand (C>T on the coding strand, the complement: NLRP1 is on the minus strand). VCF-style: chr17-5558851-G-A. GRCh37 (hg19) VCF-style: chr17-5462171-G-A.
Other names: p.Ile615=; c.1845C>T, p.Ile615= (NM_001033053.3, NM_014922.5, NM_033006.4 and 1 more transcripts).
Identifiers: ClinVar variation 787726 (VCV000787726.54), dbSNP rs61753140, ClinGen allele CA8327317.